The following is an entry in ClinVar:

NM_001386140.1(MTTP):c.2584G>A (p.Val862Ile)

Gene: MTTP (microsomal triglyceride transfer protein; plus strand). Cytogenetic location: 4q23.
Variant type: single nucleotide variant.
Coding change: c.2584G>A on transcript NM_001386140.1 (MANE Select); coding-DNA position 2584, G replaced by A.
Protein change: p.Val862Ile; replaces valine 862 with isoleucine.
Molecular consequence: missense variant.
Genome position (GRCh38, 1-based): chr4:99,622,747, G>A. VCF-style: chr4-99622747-G-A. GRCh37 (hg19) VCF-style: chr4-100543904-G-A.
Other names: c.2584G>A, p.Val862Ile (NM_000253.4); c.2335G>A, p.Val779Ile (NM_001300785.2); c.2584G>A (NM_000253.2); short protein forms V779I, V862I.
Identifiers: ClinVar variation 2177381 (VCV002177381.3), dbSNP rs760443132, ClinGen allele CA3022409.

ClinVar aggregate classification (germline): Uncertain significance. Review status: criteria provided, multiple submitters, no conflicts (2 of 4 stars). 3 submissions from 3 submitters: Uncertain significance (3). Last evaluated 2024-02-21.

Conditions:
Inborn genetic diseases. Identifiers: MedGen C0950123, MeSH D030342.

Allele frequency attached by ClinVar (database versions not stated): gnomAD 0.00003; ExAC 0.00006.
gnomAD v4.1: 32 of 1,613,938 alleles (0.002%); highest among the groups gnomAD compares: East Asian, 0.0089%; no homozygotes.

Submissions (3):

Blueprint Genetics
Classification: Uncertain significance. Last evaluated: 2024-02-21. Review status: criteria provided, single submitter. Criteria: ACMG Guidelines, 2015. Collection method: clinical testing. Allele origin: germline.

Ambry Genetics
Classification: Uncertain significance for Inborn genetic diseases. Last evaluated: 2022-11-08. Review status: criteria provided, single submitter. Criteria: Ambry Variant Classification Scheme 2023. Collection method: clinical testing. Allele origin: germline.

Labcorp Genetics (formerly Invitae), Labcorp
Classification: Uncertain significance. Last evaluated: 2022-10-04. Review status: criteria provided, single submitter. Criteria: Invitae Variant Classification Sherloc (09022015). Collection method: clinical testing. Allele origin: germline.
Comment: This sequence change replaces valine, which is neutral and non-polar, with isoleucine, which is neutral and non-polar, at codon 862 of the MTTP protein (p.Val862Ile). This variant is present in population databases (rs760443132, gnomAD 0.04%). This variant has not been reported in the literature in individuals affected with MTTP-related conditions. Advanced modeling of protein sequence and biophysical properties (such as structural, functional, and spatial information, amino acid conservation, physicochemical variation, residue mobility, and thermodynamic stability) performed at Invitae indicates that this missense variant is not expected to disrupt MTTP protein function. In summary, the available evidence is currently insufficient to determine the role of this variant in disease. Therefore, it has been classified as a Variant of Uncertain Significance.